The following is an entry in ClinVar:

NM_001035.3(RYR2):c.14091-6T>C

Gene: RYR2 (ryanodine receptor 2; plus strand). Cytogenetic location: 1q43.
Variant type: single nucleotide variant.
Coding change: c.14091-6T>C on transcript NM_001035.3 (MANE Select); 6 bases into the intron before coding-DNA position 14091, T replaced by C.
Molecular consequence: intron variant.
Genome position (GRCh38, 1-based): chr1:237,801,850, T>C. VCF-style: chr1-237801850-T-C. GRCh37 (hg19) VCF-style: chr1-237965150-T-C.
Identifiers: ClinVar variation 3385876 (VCV003385876.1).

ClinVar aggregate classification (germline): Likely benign (1 of 4 stars; one submission).

Conditions:
Catecholaminergic polymorphic ventricular tachycardia (CVPT). Also called: Catecholamine-induced polymorphic ventricular tachycardia. Identifiers: Orphanet 3286, MedGen C5574922, MONDO:0017990.

gnomAD v4.1: 2 of 1,572,366 alleles (0.00013%); highest among the groups gnomAD compares: South Asian, 0.0023%; no homozygotes.

Submission:

All of Us Research Program, National Institutes of Health
Classification: Likely benign for Catecholaminergic polymorphic ventricular tachycardia. Last evaluated: 2024-07-20. Review status: criteria provided, single submitter. Criteria: ACMG Guidelines, 2015. Collection method: clinical testing. Allele origin: germline. Inheritance: Autosomal dominant inheritance. Observed: 1 variant allele, 1 heterozygote.
Comment: This study involves interpretation of variants in research participants for the purpose of population health screening. Participant phenotype was not available at the time of variant classification. Additional details can be found in publication PMID: 35346344, PMCID: PMC8962531